The following is an entry in ClinVar:

ClinVar aggregate classification (germline): Uncertain significance (1 of 4 stars; one submission).

Conditions:
Ectodermal dysplasia 10A, hypohidrotic/hair/nail type, autosomal dominant (ECTD10A). Also called: Ectodermal Dysplasia 3, Anhidrotic. Identifiers: Orphanet 1810, Orphanet 238468, MedGen C3888065, MONDO:0007509, OMIM 129490.
Autosomal recessive hypohidrotic ectodermal dysplasia syndrome. Also called: Autosomal recessive hypohidrotic ectodermal dysplasia. Identifiers: Orphanet 248, MedGen C0406702, MONDO:0016619.

Submission:

Labcorp Genetics (formerly Invitae), Labcorp
Classification: Uncertain significance for Ectodermal dysplasia 10A, hypohidrotic/hair/nail type, autosomal dominant; Autosomal recessive hypohidrotic ectodermal dysplasia syndrome. Last evaluated: 2024-10-08. Review status: criteria provided, single submitter. Criteria: Invitae Variant Classification Sherloc (09022015). Collection method: clinical testing. Allele origin: germline.
Comment: This sequence change replaces isoleucine, which is neutral and non-polar, with asparagine, which is neutral and polar, at codon 401 of the EDAR protein (p.Ile401Asn). This variant is not present in population databases (gnomAD no frequency). This missense change has been observed in individual(s) with ectodermal dysplasia (internal data). Invitae Evidence Modeling of protein sequence and biophysical properties (such as structural, functional, and spatial information, amino acid conservation, physicochemical variation, residue mobility, and thermodynamic stability) indicates that this missense variant is expected to disrupt EDAR protein function with a positive predictive value of 80%. In summary, the available evidence is currently insufficient to determine the role of this variant in disease. Therefore, it has been classified as a Variant of Uncertain Significance.

NM_022336.4(EDAR):c.1202T>A (p.Ile401Asn)

Genes: EDAR (ectodysplasin A receptor; minus strand), RANBP2 (RAN binding protein 2; plus strand). Cytogenetic location: 2q13.
Variant type: single nucleotide variant.
Coding change: c.1202T>A on transcript NM_022336.4 (MANE Select); coding-DNA position 1202, T replaced by A.
Protein change: p.Ile401Asn; replaces isoleucine 401 with asparagine.
Molecular consequence: missense variant.
Genome position (GRCh38, 1-based): chr2:108,897,052, A>T on the plus strand (T>A on the coding strand, the complement: EDAR is on the minus strand). VCF-style: chr2-108897052-A-T. GRCh37 (hg19) VCF-style: chr2-109513508-A-T.
Other names: short protein forms I401N.
Identifiers: ClinVar variation 3758000 (VCV003758000.2).